The following is an entry in ClinVar:

NM_000352.6(ABCC8):c.4211T>C (p.Ile1404Thr)

Gene: ABCC8 (ATP binding cassette subfamily C member 8; minus strand). Cytogenetic location: 11p15.1.
Variant type: single nucleotide variant.
Coding change: c.4211T>C on transcript NM_000352.6 (MANE Select); coding-DNA position 4211, T replaced by C.
Protein change: p.Ile1404Thr; replaces isoleucine 1404 with threonine.
Molecular consequence: missense variant. On other transcripts: non-coding transcript variant (1).
Genome position (GRCh38, 1-based): chr11:17,395,706, A>G on the plus strand (T>C on the coding strand, the complement: ABCC8 is on the minus strand). VCF-style: chr11-17395706-A-G. GRCh37 (hg19) VCF-style: chr11-17417253-A-G.
Other names: c.4214T>C, p.Ile1405Thr (NM_001287174.3); c.4277T>C, p.Ile1426Thr (NM_001351295.2); c.4211T>C, p.Ile1404Thr (NM_001351296.2); c.4208T>C, p.Ile1403Thr (NM_001351297.2); short protein forms I1403T, I1404T, I1405T, I1426T.
Identifiers: ClinVar variation 4532318 (VCV004532318.2).

ClinVar aggregate classification (germline): Uncertain significance (1 of 4 stars; one submission).

gnomAD v4.1: 1 of 1,555,294 alleles (0.000064%); highest among the groups gnomAD compares: Non-Finnish European, 0.000087%; no homozygotes.

Submission:

GeneDx
Classification: Uncertain significance. Last evaluated: 2026-08-20. Review status: criteria provided, single submitter. Criteria: GeneDx Variant Classification Process June 2021. Collection method: clinical testing. Allele origin: germline.
Comment: Observed with a variant on the opposite allele (in trans) in a patient with congenital hyperinsulinism in published literature (PMID: 24401662); reported as p.(I1405T) due to use of alternate nomenclature; Reported as a maternally inherited variant in an individual with congenital hyperinsulinism in published literature; however, clinical information on the mother was not provided (PMID: 31208162); Not observed at significant frequency in large population cohorts (gnomAD); In silico analysis supports that this missense variant has a deleterious effect on protein structure/function; This variant is associated with the following publications: (PMID: 31208162, 24401662)